The following is an entry in ClinVar:

NM_020745.4(AARS2):c.2701C>T (p.Arg901Trp)

Gene: AARS2 (alanyl-tRNA synthetase 2, mitochondrial; minus strand). Cytogenetic location: 6p21.1.
Variant type: single nucleotide variant.
Coding change: c.2701C>T on transcript NM_020745.4 (MANE Select); coding-DNA position 2701, C replaced by T.
Protein change: p.Arg901Trp; replaces arginine 901 with tryptophan.
Molecular consequence: missense variant.
Genome position (GRCh38, 1-based): chr6:44,301,248, G>A on the plus strand (C>T on the coding strand, the complement: AARS2 is on the minus strand). VCF-style: chr6-44301248-G-A. GRCh37 (hg19) VCF-style: chr6-44268985-G-A.
Other names: c.2701C>T (NM_020745.2); short protein forms R901W.
Identifiers: ClinVar variation 235275 (VCV000235275.18), dbSNP rs145086947, ClinGen allele CA3833861.

ClinVar aggregate classification (germline): Conflicting classifications of pathogenicity. Review status: criteria provided, conflicting classifications (1 of 4 stars). 5 submissions from 5 submitters: Uncertain significance (4); Likely benign (1). Last evaluated 2025-08-22.

Conditions:
Inborn genetic diseases. Identifiers: MedGen C0950123, MeSH D030342.
Combined oxidative phosphorylation defect type 8. Also called: CARDIOMYOPATHY, HYPERTROPHIC MITOCHONDRIAL, FATAL INFANTILE. Identifiers: Orphanet 319504, MedGen C4518839, MONDO:0013570, OMIM 614096.

Allele frequency attached by ClinVar (database versions not stated): ESP Exome Variant Server 0.00015; 1000 Genomes Project 30x 0.00016; TOPMed 0.00035.
gnomAD v4.1: 91 of 1,613,844 alleles (0.0056%); highest among the groups gnomAD compares: African/African-American, 0.081%; 1 homozygote.

Submissions (5):

Ambry Genetics
Classification: Uncertain significance for Inborn genetic diseases. Last evaluated: 2025-08-22. Review status: criteria provided, single submitter. Criteria: Ambry Variant Classification Scheme 2023. Collection method: clinical testing. Allele origin: germline.

Labcorp Genetics (formerly Invitae), Labcorp
Classification: Likely benign. Last evaluated: 2025-06-20. Review status: criteria provided, single submitter. Criteria: Invitae Variant Classification Sherloc (09022015). Collection method: clinical testing. Allele origin: germline.

GeneDx
Classification: Uncertain significance. Last evaluated: 2024-06-24. Review status: criteria provided, single submitter. Criteria: GeneDx Variant Classification Process June 2021. Collection method: clinical testing. Allele origin: germline. Affected: yes.
Comment: In silico analysis supports that this missense variant has a deleterious effect on protein structure/function; Has not been previously published as pathogenic or benign to our knowledge; No data available from [ethnically-matched] control populations to assess the frequency of this variant

Illumina Laboratory Services, Illumina
Classification: Uncertain significance for Combined oxidative phosphorylation defect type 8. Last evaluated: 2018-01-13. Review status: criteria provided, single submitter. Criteria: ICSL Variant Classification Criteria 13 December 2019. Collection method: clinical testing. Allele origin: germline.

Center for Pediatric Genomic Medicine, Children's Mercy Hospital and Clinics
Classification: Uncertain significance. Last evaluated: 2016-01-11. Review status: criteria provided, single submitter. Criteria: ACMG Guidelines, 2015. Collection method: clinical testing. Allele origin: germline.
ClinVar note: Converted during submission from Uncertain Significance to Uncertain significance.